The following is an entry in ClinVar:

ClinVar aggregate classification (germline): Uncertain significance (1 of 4 stars; one submission).

Submission:

GeneDx
Classification: Uncertain significance. Last evaluated: 2022-07-08. Review status: criteria provided, single submitter. Criteria: GeneDx Variant Classification Process June 2021. Collection method: clinical testing. Allele origin: germline. Affected: yes.
Comment: Not observed at significant frequency in large population cohorts (gnomAD); Non-canonical splice site variant demonstrated to result in loss of function in a gene for which loss of function is not a well established mechanism of disease; Has not been previously published as pathogenic or benign to our knowledge; Variants in candidate genes are classified as variants of uncertain significance in accordance with ACMG guidelines (Richards et al., 2015)

NM_175634.3(RUNX1T1):c.-86+2_-86+3insTT

Gene: RUNX1T1 (RUNX1 partner transcriptional co-repressor 1; minus strand). Cytogenetic location: 8q21.3.
Variant type: Insertion.
Coding change: c.-86+2_-86+3insTT on transcript NM_175634.3 (MANE Select); the canonical splice donor site of the intron after 86 bases upstream of the start codon through 3 bases into the intron after 86 bases upstream of the start codon, TT inserted.
Molecular consequence: splice donor variant.
Genome position: GRCh38 VCF-style: chr8-92102854-T-TAA. GRCh37 (hg19) VCF-style: chr8-93115082-T-TAA.
Other names: c.28+2_28+3insTT (NM_001198633.2, NM_001395209.1).
Identifiers: ClinVar variation 3381428 (VCV003381428.1).